The following is an entry in ClinVar:

NM_000264.5(PTCH1):c.3943C>T (p.Pro1315Ser)

Gene: PTCH1 (patched 1; minus strand). Cytogenetic location: 9q22.32.
Variant type: single nucleotide variant.
Coding change: c.3943C>T on transcript NM_000264.5 (MANE Select); coding-DNA position 3943, C replaced by T.
Protein change: p.Pro1315Ser; replaces proline 1315 with serine.
Molecular consequence: missense variant. On other transcripts: non-coding transcript variant (1).
Genome position (GRCh38, 1-based): chr9:95,447,313, G>A on the plus strand (C>T on the coding strand, the complement: PTCH1 is on the minus strand). VCF-style: chr9-95447313-G-A. GRCh37 (hg19) VCF-style: chr9-98209595-G-A.
Other names: c.3943C>T (NM_000264.3); c.3745C>T, p.Pro1249Ser (NM_001083602.3); c.3940C>T, p.Pro1314Ser (NM_001083603.3); c.3490C>T, p.Pro1164Ser (NM_001083604.3, NM_001083605.3, NM_001083606.3 and 1 more transcripts); c.3787C>T, p.Pro1263Ser (NM_001354918.2); short protein forms P1263S, P1315S, P1164S, P1314S, P1249S.
Identifiers: ClinVar variation 1426278 (VCV001426278.11), dbSNP rs746022197, ClinGen allele CA5137996.

ClinVar aggregate classification (germline): Conflicting classifications of pathogenicity. Review status: criteria provided, conflicting classifications (1 of 4 stars). 2 submissions from 2 submitters: Uncertain significance (1); Benign (1). Last evaluated 2025-08-18.

Conditions:
Gorlin syndrome. Also called: Nevoid Basal Cell Carcinoma Syndrome; Basal cell nevus syndrome. Identifiers: Orphanet 377, MedGen C0004779, MONDO:0007187.
Hereditary cancer-predisposing syndrome. Also called: Hereditary neoplastic syndrome; Tumor predisposition; Hereditary Cancer Syndrome; Neoplastic Syndromes, Hereditary. Identifiers: Orphanet 140162, MedGen C0027672, MeSH D009386, MONDO:0015356.

Allele frequency attached by ClinVar (database versions not stated): gnomAD 0.00001; ExAC 0.00002; TOPMed 0.00002.
gnomAD v4.1: 4 of 1,613,050 alleles (0.00025%); highest among the groups gnomAD compares: African/African-American, 0.0013%; no homozygotes.

Submissions (2):

Labcorp Genetics (formerly Invitae), Labcorp
Classification: Benign for Gorlin syndrome. Last evaluated: 2025-08-18. Review status: criteria provided, single submitter. Criteria: Invitae Variant Classification Sherloc (09022015). Collection method: clinical testing. Allele origin: germline.

Ambry Genetics
Classification: Uncertain significance for Hereditary cancer-predisposing syndrome. Last evaluated: 2024-04-25. Review status: criteria provided, single submitter. Criteria: Ambry Variant Classification Scheme 2023. Collection method: clinical testing. Allele origin: germline.
Comment: The p.P1315S variant (also known as c.3943C>T), located in coding exon 23 of the PTCH1 gene, results from a C to T substitution at nucleotide position 3943. The proline at codon 1315 is replaced by serine, an amino acid with similar properties. This amino acid position is highly conserved in available vertebrate species. In addition, the in silico prediction for this alteration is inconclusive. Based on the available evidence, the clinical significance of this variant remains unclear.